The following is an entry in ClinVar:

NM_001876.4(CPT1A):c.694-9G>A

Gene: CPT1A (carnitine palmitoyltransferase 1A; minus strand). Cytogenetic location: 11q13.3.
Variant type: single nucleotide variant.
Coding change: c.694-9G>A on transcript NM_001876.4 (MANE Select); 9 bases into the intron before coding-DNA position 694, G replaced by A.
Molecular consequence: intron variant.
Genome position (GRCh38, 1-based): chr11:68,796,942, C>T on the plus strand (G>A on the coding strand, the complement: CPT1A is on the minus strand). VCF-style: chr11-68796942-C-T. GRCh37 (hg19) VCF-style: chr11-68564410-C-T.
Other names: c.694-9G>A (NM_001031847.3).
Identifiers: ClinVar variation 514606 (VCV000514606.5), dbSNP rs771162679, ClinGen allele CA6152561.
Genomic context (GRCh38, chr11:68,796,942, plus strand): 5'-TGAGCGGCCCTCGTCCTCGGAGGTAGATGTACTCCTCCCACCAGTCGCTCACCTAGTGGG[C>T]GCAAACACCAGACAAACCCGCAGGCTCAGCAGGGGCCAGGCAGGCTCCCTGGCAGCAGCC-3'

ClinVar aggregate classification (germline): Likely benign. Review status: criteria provided, multiple submitters, no conflicts (2 of 4 stars). 2 submissions from 2 submitters: Likely benign (2). Last evaluated 2025-09-20.

Conditions:
Carnitine palmitoyl transferase 1A deficiency. Also called: Carnitine palmitoyltransferase 1A deficiency; CPT I DEFICIENCY; CPT DEFICIENCY, HEPATIC, TYPE I; Carnitine palmitoyltransferase type I deficiency; CPT deficiency, hepatic, type IA. Identifiers: Orphanet 156, MedGen C1829703, MONDO:0009705, OMIM 255120.

Allele frequency attached by ClinVar (database versions not stated): ExAC 0.00001; gnomAD 0.00001; gnomAD exomes 0.00002 and 0.00003; TOPMed 0.00002.
gnomAD v4.1: 42 of 1,613,488 alleles (0.0026%); highest among the groups gnomAD compares: Non-Finnish European, 0.0032%; no homozygotes.

Submissions (2):

Labcorp Genetics (formerly Invitae), Labcorp
Classification: Likely benign for Carnitine palmitoyl transferase 1A deficiency. Last evaluated: 2025-09-20. Review status: criteria provided, single submitter. Criteria: Invitae Variant Classification Sherloc (09022015). Collection method: clinical testing. Allele origin: germline.

GeneDx
Classification: Likely benign. Last evaluated: 2018-01-22. Review status: criteria provided, single submitter. Criteria: GeneDx Variant Classification (06012015). Collection method: clinical testing. Allele origin: germline. Affected: yes.
Comment: This variant is considered likely benign or benign based on one or more of the following criteria: it is a conservative change, it occurs at a poorly conserved position in the protein, it is predicted to be benign by multiple in silico algorithms, and/or has population frequency not consistent with disease.